The following is an entry in ClinVar:

NM_001374736.1(DST):c.22413A>C (p.Ala7471=)

Gene: DST (dystonin; minus strand). Cytogenetic location: 6p12.1.
Variant type: single nucleotide variant.
Coding change: c.22413A>C on transcript NM_001374736.1 (MANE Select); coding-DNA position 22413, A replaced by C.
Protein change: p.Ala7471=; no amino-acid change (alanine 7471 retained).
Molecular consequence: synonymous variant.
Genome position (GRCh38, 1-based): chr6:56,470,191, T>G on the plus strand (A>C on the coding strand, the complement: DST is on the minus strand). VCF-style: chr6-56470191-T-G. GRCh37 (hg19) VCF-style: chr6-56334989-T-G.
Other names: c.16056A>C (NM_001144769.2); c.15522A>C, p.Ala5174= (NM_001386100.1, NM_183380.4); c.14544A>C, p.Ala4848= (NM_015548.5); c.16056A>C, p.Ala5352= (NM_001144769.5); c.15642A>C, p.Ala5214= (NM_001144770.2); c.22413A>C, p.Ala7471= (NM_001374722.1); c.21453A>C, p.Ala7151= (NM_001374729.1); c.15195A>C, p.Ala5065= (NM_001374730.1); and 1 more.
Identifiers: ClinVar variation 1149808 (VCV001149808.10), dbSNP rs755207298, ClinGen allele CA3866269.

ClinVar aggregate classification (germline): Likely benign. Review status: criteria provided, multiple submitters, no conflicts (2 of 4 stars). 2 submissions from 2 submitters: Likely benign (2). Last evaluated 2026-06-17.

Conditions:
DST-related disorder. Also called: DST-related condition; DST-related disorders.
Epidermolysis bullosa simplex 3, localized or generalized intermediate, with BP230 deficiency (EBS3). Also called: Epidermolysis bullosa simplex, autosomal recessive 2; Epidermolysis bullosa simplex due to BP230 deficiency. Identifiers: Orphanet 412181, MedGen C3809470, MONDO:0014180, OMIM 615425.
Hereditary sensory and autonomic neuropathy type 6. Also called: Neuropathy, hereditary sensory and autonomic, type VI; HSAN VI. Identifiers: Orphanet 314381, MedGen C3539003, MONDO:0013839, OMIM 614653.

Allele frequency attached by ClinVar (database versions not stated): gnomAD exomes below 0.00001; TOPMed below 0.00001; ExAC 0.00001; gnomAD 0.00001.
gnomAD v4.1: 41 of 1,612,390 alleles (0.0025%); highest among the groups gnomAD compares: Non-Finnish European, 0.0033%; no homozygotes.

Submissions (2):

PreventionGenetics, part of Exact Sciences
Classification: Likely benign for DST-related condition. Last evaluated: 2026-06-17. Review status: criteria provided, single submitter. Criteria: ACMG Guidelines, 2015. Collection method: clinical testing. Allele origin: germline.
Comment: This variant is classified as likely benign based on ACMG/AMP sequence variant interpretation guidelines (Richards et al. 2015 PMID: 25741868, with internal and published modifications).

Labcorp Genetics (formerly Invitae), Labcorp
Classification: Likely benign for Epidermolysis bullosa simplex 3, localized or generalized intermediate, with BP230 deficiency; Hereditary sensory and autonomic neuropathy type 6. Last evaluated: 2023-11-28. Review status: criteria provided, single submitter. Criteria: Invitae Variant Classification Sherloc (09022015). Collection method: clinical testing. Allele origin: germline.